The following is an entry in ClinVar:

NM_032888.4(COL27A1):c.269T>C (p.Ile90Thr)

Gene: COL27A1 (collagen type XXVII alpha 1 chain; plus strand). Cytogenetic location: 9q32.
Variant type: single nucleotide variant.
Coding change: c.269T>C on transcript NM_032888.4 (MANE Select); coding-DNA position 269, T replaced by C.
Protein change: p.Ile90Thr; replaces isoleucine 90 with threonine.
Molecular consequence: missense variant.
Genome position (GRCh38, 1-based): chr9:114,167,824, T>C. VCF-style: chr9-114167824-T-C. GRCh37 (hg19) VCF-style: chr9-116930104-T-C.
Other names: short protein forms I90T.
Identifiers: ClinVar variation 1360778 (VCV001360778.5), dbSNP rs1041670066, ClinGen allele CA198607603.
Genomic context (GRCh38, chr9:114,167,824, plus strand): 5'-TCCAGTCGGGCTTCATCTTTACGCAGCGGGCCCGGCTCCAGGCTCCCACGGGCACCGTCA[T>C]TCCTGCCGCCTTGGGCACAGAGCTGGCACTGGTGCTGAGCCTCTGCTCCCACCGGGTGAA-3'
Protein context (NP_116277.2, residues 80-100): ARLQAPTGTV[Ile90Thr]PAALGTELAL

ClinVar aggregate classification (germline): Uncertain significance (1 of 4 stars; one submission).

Allele frequency attached by ClinVar (database versions not stated): gnomAD exomes below 0.00001; TOPMed below 0.00001.
gnomAD v4.1: 4 of 1,613,502 alleles (0.00025%); highest among the groups gnomAD compares: Admixed American, 0.0017%; no homozygotes.

Submission:

Labcorp Genetics (formerly Invitae), Labcorp
Classification: Uncertain significance. Last evaluated: 2021-08-27. Review status: criteria provided, single submitter. Criteria: Invitae Variant Classification Sherloc (09022015). Collection method: clinical testing. Allele origin: germline.
Comment: This sequence change replaces isoleucine with threonine at codon 90 of the COL27A1 protein (p.Ile90Thr). The isoleucine residue is moderately conserved and there is a moderate physicochemical difference between isoleucine and threonine. This variant is not present in population databases (ExAC no frequency). This variant has not been reported in the literature in individuals affected with COL27A1-related conditions. Advanced modeling of protein sequence and biophysical properties (such as structural, functional, and spatial information, amino acid conservation, physicochemical variation, residue mobility, and thermodynamic stability) performed at Invitae indicates that this missense variant is not expected to disrupt COL27A1 protein function. In summary, the available evidence is currently insufficient to determine the role of this variant in disease. Therefore, it has been classified as a Variant of Uncertain Significance.